The following is an entry in ClinVar:

ClinVar aggregate classification (germline): Conflicting classifications of pathogenicity. Review status: criteria provided, conflicting classifications (1 of 4 stars). 4 submissions from 4 submitters: Uncertain significance (2); Likely benign (2). Last evaluated 2026-04-09.

Conditions:
Ehlers-Danlos syndrome, dermatosparaxis type. Also called: EDS VIIC; Dermatosparaxis; Ehlers-Danlos syndrome, type VII, autosomal recessive. Identifiers: Orphanet 1901, MedGen C2700425, MONDO:0009161, OMIM 225410.

Submissions (4):

Women's Health and Genetics/Laboratory Corporation of America, LabCorp
Classification: Uncertain significance. Last evaluated: 2026-04-09. Review status: criteria provided, single submitter. Criteria: LabCorp Variant Classification Summary - May 2015. Collection method: clinical testing. Allele origin: germline.
Comment: Variant summary: ADAMTS2 c.65_70delTGCTGC (p.Leu22_Leu23del) results in an in-frame deletion that is predicted to remove two amino acids from the encoded protein. The frequency data for this variant in gnomAD is considered unreliable, as metrics indicate poor data quality at this position. To our knowledge, no occurrence of c.65_70delTGCTGC in individuals affected with ADAMTS2-related conditions and no experimental evidence demonstrating its impact on protein function have been reported. ClinVar contains an entry for this variant (Variation ID: 573576). Based on the evidence outlined above, the variant was classified as uncertain significance.

Blueprint Genetics
Classification: Likely benign. Last evaluated: 2022-07-08. Review status: criteria provided, single submitter. Criteria: ACMG Guidelines, 2015. Collection method: clinical testing. Allele origin: germline.

Labcorp Genetics (formerly Invitae), Labcorp
Classification: Uncertain significance for Ehlers-Danlos syndrome, dermatosparaxis type. Last evaluated: 2022-05-01. Review status: criteria provided, single submitter. Criteria: Invitae Variant Classification Sherloc (09022015). Collection method: clinical testing. Allele origin: germline.
Comment: This variant, c.65_70del, results in the deletion of 2 amino acid(s) of the ADAMTS2 protein (p.Leu22_Leu23del), but otherwise preserves the integrity of the reading frame. The frequency data for this variant in the population databases is considered unreliable, as metrics indicate poor data quality at this position in the gnomAD database. This variant has not been reported in the literature in individuals affected with ADAMTS2-related conditions. ClinVar contains an entry for this variant (Variation ID: 573576). Experimental studies and prediction algorithms are not available or were not evaluated, and the functional significance of this variant is currently unknown. In summary, the available evidence is currently insufficient to determine the role of this variant in disease. Therefore, it has been classified as a Variant of Uncertain Significance.

GeneDx
Classification: Likely benign. Last evaluated: 2021-04-28. Review status: criteria provided, single submitter. Criteria: GeneDx Variant Classification Process June 2021. Collection method: clinical testing. Allele origin: germline. Affected: yes.

NM_014244.5(ADAMTS2):c.47TGC[6] (p.Leu22_Leu23del)

Gene: ADAMTS2 (ADAM metallopeptidase with thrombospondin type 1 motif 2; minus strand). Cytogenetic location: 5q35.3.
Variant type: Microsatellite.
Coding change: c.47TGC[6] on transcript NM_014244.5 (MANE Select); six copies in a row of the 3-base unit TGC starting at c.47; the reference has eight copies in a row; two copies, 6 bases deleted.
Protein change: p.Leu22_Leu23del.
Molecular consequence: inframe deletion.
Genome position (GRCh38, 1-based): chr5:179,345,259-179,345,264, GCAGCA deleted on the plus strand (TGCTGC on the coding strand, the reverse complement: ADAMTS2 is on the minus strand); deleting any 6 consecutive bases within chr5:179,345,259-179,345,284 gives the same sequence; the position shown is the placement nearest the transcript's 3' end. VCF-style (leftmost placement, unchanged base first): chr5-179345258-GGCAGCA-G. GRCh37 (hg19) VCF-style: chr5-178772259-GGCAGCA-G.
Other names: c.65_70delTGCTGC (NM_014244.5, NM_014244.4); c.47TGC[6], p.Leu22_Leu23del (NM_021599.4).
Identifiers: ClinVar variation 573576 (VCV000573576.8), dbSNP rs568040559, ClinGen allele CA133086943.